The following is an entry in ClinVar:

ClinVar aggregate classification (germline): Uncertain significance (1 of 4 stars; one submission).

Conditions:
CHARGE syndrome (CHARGE). Also called: Hittner Hirsch Kreh syndrome; CHARGE ASSOCIATION--COLOBOMA, HEART ANOMALY, CHOANAL ATRESIA, RETARDATION, GENITAL AND EAR ANOMALIES; Coloboma, heart anomaly, choanal atresia, retardation, genital and ear anomalies; CHARGE association; Hall-Hittner syndrome. Identifiers: Orphanet 138, MedGen C0265354, MONDO:0008965.

gnomAD v4.1: 1 of 1,613,680 alleles (0.000062%); highest among the groups gnomAD compares: Non-Finnish European, 0.000085%; no homozygotes.

Submission:

Labcorp Genetics (formerly Invitae), Labcorp
Classification: Uncertain significance for CHARGE syndrome. Last evaluated: 2024-07-24. Review status: criteria provided, single submitter. Criteria: Invitae Variant Classification Sherloc (09022015). Collection method: clinical testing. Allele origin: germline.
Comment: This sequence change replaces proline, which is neutral and non-polar, with serine, which is neutral and polar, at codon 737 of the CHD7 protein (p.Pro737Ser). This variant is not present in population databases (gnomAD no frequency). This variant has not been reported in the literature in individuals affected with CHD7-related conditions. Advanced modeling of protein sequence and biophysical properties (such as structural, functional, and spatial information, amino acid conservation, physicochemical variation, residue mobility, and thermodynamic stability) performed at Invitae indicates that this missense variant is not expected to disrupt CHD7 protein function with a negative predictive value of 80%. In summary, the available evidence is currently insufficient to determine the role of this variant in disease. Therefore, it has been classified as a Variant of Uncertain Significance.

NM_017780.4(CHD7):c.2209C>T (p.Pro737Ser)

Gene: CHD7 (chromodomain helicase DNA binding protein 7; plus strand). Cytogenetic location: 8q12.2.
Variant type: single nucleotide variant.
Coding change: c.2209C>T on transcript NM_017780.4 (MANE Select); coding-DNA position 2209, C replaced by T.
Protein change: p.Pro737Ser; replaces proline 737 with serine.
Molecular consequence: missense variant. On other transcripts: intron variant (1).
Genome position (GRCh38, 1-based): chr8:60,795,098, C>T. VCF-style: chr8-60795098-C-T. GRCh37 (hg19) VCF-style: chr8-61707657-C-T.
Other names: c.1716+14048C>T (NM_001316690.1); short protein forms P737S.
Identifiers: ClinVar variation 3706640 (VCV003706640.2).
Genomic context (GRCh38, chr8:60,795,098, plus strand): 5'-GGAAAAACAGAAGGTTCTGAAAATTCAGACTTAGACAAAACACCCCCACCATCTCCTCCT[C>T]CTGAAGAAGATGAGGACCCAGGTGTTCAGGTAATACAATTATTGTGATTCCCGAGCCTTG-3'
Protein context (NP_060250.2, residues 727-747): LDKTPPPSPP[Pro737Ser]EEDEDPGVQK